The following is an entry in ClinVar:

ClinVar aggregate classification (germline): Uncertain significance (1 of 4 stars; one submission).

Conditions:
Cardiovascular phenotype. Identifiers: MedGen CN230736.

Submission:

Ambry Genetics
Classification: Uncertain significance for Cardiovascular phenotype. Last evaluated: 2024-06-14. Review status: criteria provided, single submitter. Criteria: Ambry Variant Classification Scheme 2023. Collection method: clinical testing. Allele origin: germline.
Comment: The c.2163_2164delCCinsAT variant (also known as p.R722W), located in coding exon 10 of the MYPN gene, results from an in-frame deletion of CC and insertion of AT at nucleotide positions 2163 to 2164. This results in the substitution of the arginine residue for a tryptophan residue at codon 722, an amino acid with dissimilar properties. This amino acid position is highly conserved in available vertebrate species. In addition, this alteration is predicted to be deleterious by in silico analysis. Since supporting evidence is limited at this time, the clinical significance of this alteration remains unclear.

NM_032578.4(MYPN):c.2163_2164delinsAT (p.Arg722Trp)

Gene: MYPN (myopalladin; plus strand). Cytogenetic location: 10q21.3.
Variant type: Indel.
Coding change: c.2163_2164delinsAT on transcript NM_032578.4 (MANE Select); coding-DNA positions 2163 to 2164, CC replaced by AT.
Protein change: p.Arg722Trp; replaces arginine 722 with tryptophan.
Molecular consequence: missense variant. On other transcripts: non-coding transcript variant (2).
Genome position (GRCh38, 1-based): chr10:68,174,255-68,174,256, CC replaced by AT. VCF-style: chr10-68174255-CC-AT. GRCh37 (hg19) VCF-style: chr10-69934012-CC-AT.
Other names: c.2163_2164delinsAT, p.Arg722Trp (NM_001256267.2); c.1281_1282delinsAT, p.Arg428Trp (NM_001256268.2); short protein forms R428W, R722W.
Identifiers: ClinVar variation 1786937 (VCV001786937.3), dbSNP rs2495792890, ClinGen allele CA2580081756.